The following is an entry in ClinVar:

ClinVar aggregate classification (germline): Conflicting classifications of pathogenicity. Review status: criteria provided, conflicting classifications (1 of 4 stars). 2 submissions from 2 submitters: Likely pathogenic (1); Uncertain significance (1). Last evaluated 2020-08-16.

Conditions:
ABCA4-related disorder. Also called: ABCA4-related disorders; ABCA4-related condition. Identifiers: MedGen CN239167.

Submissions (2):

Labcorp Genetics (formerly Invitae), Labcorp
Classification: Uncertain significance. Last evaluated: 2020-08-16. Review status: criteria provided, single submitter. Criteria: Invitae Variant Classification Sherloc (09022015). Collection method: clinical testing. Allele origin: germline.
Comment: In summary, the available evidence is currently insufficient to determine the role of this variant in disease. Therefore, it has been classified as a Variant of Uncertain Significance. Advanced modeling of protein sequence and biophysical properties (such as structural, functional, and spatial information, amino acid conservation, physicochemical variation, residue mobility, and thermodynamic stability) performed at Invitae indicates that this missense variant is expected to disrupt ABCA4 protein function. This variant has not been reported in the literature in individuals with ABCA4-related conditions. This variant is not present in population databases (ExAC no frequency). This sequence change replaces leucine with glutamine at codon 819 of the ABCA4 protein (p.Leu819Gln). The leucine residue is highly conserved and there is a moderate physicochemical difference between leucine and glutamine.

Blueprint Genetics
Classification: Likely pathogenic for ABCA4-related disorders. Last evaluated: 2019-12-02. Review status: criteria provided, single submitter. Criteria: ACMG Guidelines, 2015. Collection method: clinical testing. Allele origin: germline. Affected: yes. Observed: 2 variant alleles.

NM_000350.3(ABCA4):c.2456T>A (p.Leu819Gln)

Gene: ABCA4 (ATP binding cassette subfamily A member 4; minus strand). Cytogenetic location: 1p22.1.
Variant type: single nucleotide variant.
Coding change: c.2456T>A on transcript NM_000350.3 (MANE Select); coding-DNA position 2456, T replaced by A.
Protein change: p.Leu819Gln; replaces leucine 819 with glutamine.
Molecular consequence: missense variant.
Genome position (GRCh38, 1-based): chr1:94,055,242, A>T on the plus strand (T>A on the coding strand, the complement: ABCA4 is on the minus strand). VCF-style: chr1-94055242-A-T. GRCh37 (hg19) VCF-style: chr1-94520798-A-T.
Other names: c.2234T>A, p.Leu745Gln (NM_001425324.1); short protein forms L819Q, L745Q.
Identifiers: ClinVar variation 1002949 (VCV001002949.9), dbSNP rs1660943170, ClinGen allele CA341277052.